The following is an entry in ClinVar:

ClinVar aggregate classification (germline): Likely pathogenic. Review status: criteria provided, multiple submitters, no conflicts (2 of 4 stars). 2 submissions from 2 submitters: Likely pathogenic (2). Last evaluated 2025-03-04.

Conditions:
Nemaline myopathy. Also called: Myopathies, Nemaline. Identifiers: Orphanet 607, MedGen C0206157, MONDO:0018958.
Nemaline myopathy 2 (NEM2). Also called: Nemaline myopathy 2, autosomal recessive. Identifiers: MedGen C1850569, MONDO:0009725, OMIM 256030.

gnomAD v4.1: 1 of 1,537,654 alleles (0.000065%); highest among the groups gnomAD compares: Non-Finnish European, 0.000088%; no homozygotes.

Submissions (2):

Broad Center for Mendelian Genomics, Broad Institute of MIT and Harvard
Classification: Likely pathogenic for Nemaline myopathy. Last evaluated: 2025-03-04. Review status: criteria provided, single submitter. Criteria: ACMG Guidelines, 2015. Collection method: curation. Allele origin: germline. Inheritance: Autosomal recessive inheritance.
Comment: The c.21418-1G>A variant in NEB has not been previously reported in individuals with nemaline myopathy, but has been identified in 0.00009% (1/1134616) of European (non-Finnish) chromosomes by the Genome Aggregation Database (gnomAD; dbSNP ID: rs2153501801). Although this variant has been seen in the general population in a heterozygous state, its frequency is low enough to be consistent with a recessive carrier frequency. This variant has also been reported in ClinVar (Variation ID: 1523428) and has been interpreted as likely pathogenic by Invitae. This variant is located in the 3' splice region. SpliceAI predictions indicate use of an out-of-frame cryptic splice site 11 bases from the intron-exon boundary, providing evidence that this variant may cause a frameshift and lead to a premature termination codon downstream. This alteration is then predicted to lead to a truncated or absent protein. However, this information is not predictive enough to determine pathogenicity. Loss of function of the NEB gene is an established disease mechanism in autosomal recessive nemaline myopathy. In summary, although additional studies are required to fully establish its clinical significance, this variant is likely pathogenic for autosomal recessive nemaline myopathy. ACMG/AMP Criteria applied: PVS1, PM2_supporting (Richards 2015).

Labcorp Genetics (formerly Invitae), Labcorp
Classification: Likely pathogenic for Nemaline myopathy 2. Last evaluated: 2021-02-28. Review status: criteria provided, single submitter. Criteria: Invitae Variant Classification Sherloc (09022015). Collection method: clinical testing. Allele origin: germline.
Comment: This sequence change affects an acceptor splice site in intron 144 of the NEB gene. It is expected to disrupt RNA splicing. Variants that disrupt the donor or acceptor splice site typically lead to a loss of protein function (PMID: 16199547), and loss-of-function variants in NEB are known to be pathogenic (PMID: 25205138). This variant is not present in population databases (ExAC no frequency). This variant has not been reported in the literature in individuals with NEB-related conditions. Algorithms developed to predict the effect of sequence changes on RNA splicing suggest that this variant may disrupt the consensus splice site, but this prediction has not been confirmed by published transcriptional studies. In summary, the currently available evidence indicates that the variant is pathogenic, but additional data are needed to prove that conclusively. Therefore, this variant has been classified as Likely Pathogenic.

Literature cited by the submitters: PubMed 16199547 (cited by Labcorp Genetics (formerly Invitae), Labcorp); PubMed 25205138 (cited by Labcorp Genetics (formerly Invitae), Labcorp).

NM_001164508.2(NEB):c.21418-1G>A

Genes: NEB (nebulin; minus strand), RIF1 (replication timing regulatory factor 1; plus strand). Cytogenetic location: 2q23.3.
Variant type: single nucleotide variant.
Coding change: c.21418-1G>A on transcript NM_001164508.2 (MANE Select); the canonical splice acceptor site of the intron before coding-DNA position 21418, G replaced by A.
Molecular consequence: splice acceptor variant.
Genome position (GRCh38, 1-based): chr2:151,531,897, C>T on the plus strand (G>A on the coding strand, the complement: NEB is on the minus strand). VCF-style: chr2-151531897-C-T. GRCh37 (hg19) VCF-style: chr2-152388411-C-T.
Other names: c.16315-1G>A (NM_004543.5); c.21418-1G>A (NM_001164507.2); c.21523-1G>A (NM_001271208.2).
Identifiers: ClinVar variation 1523428 (VCV001523428.9), dbSNP rs2153501801, ClinGen allele CA348770658.